The following is an entry in ClinVar:

NM_005618.4(DLL1):c.975C>A (p.Cys325Ter)

Gene: DLL1 (delta like canonical Notch ligand 1; minus strand). Cytogenetic location: 6q27.
Variant type: single nucleotide variant.
Coding change: c.975C>A on transcript NM_005618.4 (MANE Select); coding-DNA position 975, C replaced by A.
Protein change: p.Cys325Ter; replaces cysteine 325 with a stop codon.
Molecular consequence: nonsense.
Genome position (GRCh38, 1-based): chr6:170,285,311, G>T on the plus strand (C>A on the coding strand, the complement: DLL1 is on the minus strand). VCF-style: chr6-170285311-G-T. GRCh37 (hg19) VCF-style: chr6-170594399-G-T.
Other names: short protein forms C325*.
Identifiers: ClinVar variation 3058665 (VCV003058665.2), dbSNP rs762743550, ClinGen allele CA366508316.
Genomic context (GRCh38, chr6:170,285,311, plus strand): 5'-CACCGTGCAGCTCCCTCCGTTCTTACAAGGGCTGGGGTCACACTCGTCAATCCCCAGCTC[G>T]CAGGTGGCACCTGTGTACCCAGGCCGGCAAGAGCAAGTGTAGCTCCCCTGGCCCGTGTTG-3'

ClinVar aggregate classification (germline): Likely pathogenic (0 of 4 stars; one submission).

Conditions:
DLL1-related disorder. Also called: DLL1-related condition.

Submission:

PreventionGenetics, part of Exact Sciences
Classification: Likely pathogenic for DLL1-related condition. Last evaluated: 2023-12-19. Review status: no assertion criteria provided. Collection method: clinical testing. Allele origin: germline.
Comment: The DLL1 c.975C>A variant is predicted to result in premature protein termination (p.Cys325*). To our knowledge, this variant has not been reported in the literature or in a large population database, indicating this variant is rare. However, other truncating variants in the region surrounding this variant have been reported to be causative for a neurodevelopmental disorder with nonspecific brain abnormalities with or without seizures (Fischer-Zirnsak et al. 2019. PubMed ID: 31353024). Additionally, the DLL1 gene is curated as haploinsufficient by ClinGen. Nonsense variants in DLL1 are expected to be pathogenic. This variant is interpreted as likely pathogenic.